The following is an entry in ClinVar:

NM_001276270.2(MBD4):c.1146G>T (p.Met382Ile)

Gene: MBD4 (methyl-CpG binding domain 4, DNA glycosylase; minus strand). Cytogenetic location: 3q21.3.
Variant type: single nucleotide variant.
Coding change: c.1146G>T on transcript NM_001276270.2 (MANE Select); coding-DNA position 1146, G replaced by T.
Protein change: p.Met382Ile; replaces methionine 382 with isoleucine.
Molecular consequence: missense variant. On other transcripts: intron variant (1).
Genome position (GRCh38, 1-based): chr3:129,436,498, C>A on the plus strand (G>T on the coding strand, the complement: MBD4 is on the minus strand). VCF-style: chr3-129436498-C-A. GRCh37 (hg19) VCF-style: chr3-129155341-C-A.
Other names: c.1146G>T, p.Met382Ile (NM_001276271.2, NM_001276272.2, NM_003925.3); c.247+1310G>T (NM_001276273.2); short protein forms M382I.
Identifiers: ClinVar variation 4760472 (VCV004760472.2).

ClinVar aggregate classification (germline): Uncertain significance. Review status: criteria provided, multiple submitters, no conflicts (2 of 4 stars). 2 submissions from 2 submitters: Uncertain significance (2). Last evaluated 2026-01-20.

Conditions:
Inborn genetic diseases. Identifiers: MedGen C0950123, MeSH D030342.

Submissions (2):

Ambry Genetics
Classification: Uncertain significance for Inborn genetic diseases. Last evaluated: 2026-01-20. Review status: criteria provided, single submitter. Criteria: Ambry Variant Classification Scheme 2023. Collection method: clinical testing. Allele origin: germline.
Comment: The p.M382I variant (also known as c.1146G>T), located in coding exon 3 of the MBD4 gene, results from a G to T substitution at nucleotide position 1146. The methionine at codon 382 is replaced by isoleucine, an amino acid with highly similar properties. This amino acid position is conserved. In addition, this alteration is predicted to be tolerated by in silico analysis. Based on the available evidence, the clinical significance of this variant remains unclear.

Labcorp Genetics (formerly Invitae), Labcorp
Classification: Uncertain significance. Last evaluated: 2025-08-04. Review status: criteria provided, single submitter. Criteria: Invitae Variant Classification Sherloc (09022015). Collection method: clinical testing. Allele origin: germline.
Comment: This sequence change replaces methionine, which is neutral and non-polar, with isoleucine, which is neutral and non-polar, at codon 382 of the MBD4 protein (p.Met382Ile). This variant is not present in population databases (gnomAD no frequency). This variant has not been reported in the literature in individuals affected with MBD4-related conditions. An algorithm developed to predict the effect of missense changes on protein structure and function outputs the following: PolyPhen-2: "Benign". The isoleucine amino acid residue is found in multiple mammalian species, which suggests that this missense change does not adversely affect protein function. In summary, the available evidence is currently insufficient to determine the role of this variant in disease. Therefore, it has been classified as a Variant of Uncertain Significance.